The following is an entry in ClinVar:

NM_000217.3(KCNA1):c.1366G>C (p.Glu456Gln)

Gene: KCNA1 (potassium voltage-gated channel subfamily A member 1; plus strand). Cytogenetic location: 12p13.32.
Variant type: single nucleotide variant.
Coding change: c.1366G>C on transcript NM_000217.3 (MANE Select); coding-DNA position 1366, G replaced by C.
Protein change: p.Glu456Gln; replaces glutamic acid 456 with glutamine.
Molecular consequence: missense variant.
Genome position (GRCh38, 1-based): chr12:4,912,744, G>C. VCF-style: chr12-4912744-G-C. GRCh37 (hg19) VCF-style: chr12-5021910-G-C.
Other names: short protein forms E456Q.
Identifiers: ClinVar variation 2505860 (VCV002505860.1), dbSNP rs1947360103, ClinGen allele CA383456622.

ClinVar aggregate classification (germline): Uncertain significance (1 of 4 stars; one submission).

Allele frequency attached by ClinVar (database versions not stated): gnomAD exomes below 0.00001.

Submission:

GeneDx
Classification: Uncertain significance. Last evaluated: 2022-12-15. Review status: criteria provided, single submitter. Criteria: GeneDx Variant Classification Process June 2021. Collection method: clinical testing. Allele origin: germline. Affected: yes.
Comment: Not observed at significant frequency in large population cohorts (gnomAD); In silico analysis supports that this missense variant does not alter protein structure/function; Has not been previously published as pathogenic or benign to our knowledge